The following is an entry in ClinVar:

ClinVar aggregate classification (germline): Uncertain significance (1 of 4 stars; one submission).

Submission:

GeneDx
Classification: Uncertain significance. Last evaluated: 2026-07-30. Review status: criteria provided, single submitter. Criteria: GeneDx Variant Classification Process June 2021. Collection method: clinical testing. Allele origin: germline.
Comment: Not observed at significant frequency in large population cohorts (gnomAD); In silico analysis supports that this missense variant has a deleterious effect on protein structure/function; Has not been previously published as pathogenic or benign to our knowledge

NM_001394062.1(MACF1):c.4324G>A (p.Gly1442Arg)

Gene: MACF1 (microtubule actin crosslinking factor 1; plus strand). Cytogenetic location: 1p34.3.
Variant type: single nucleotide variant.
Coding change: c.4324G>A on transcript NM_001394062.1 (MANE Select); coding-DNA position 4324, G replaced by A.
Protein change: p.Gly1442Arg; replaces glycine 1442 with arginine.
Molecular consequence: missense variant.
Genome position (GRCh38, 1-based): chr1:39,324,280, G>A. VCF-style: chr1-39324280-G-A. GRCh37 (hg19) VCF-style: chr1-39789952-G-A.
Other names: c.4339G>A, p.Gly1447Arg (NM_012090.5); short protein forms G1442R, G1447R.
Identifiers: ClinVar variation 3378201 (VCV003378201.2).